The following is an entry in ClinVar:

NM_022817.3(PER2):c.3012T>C (p.Thr1004=)

Gene: PER2 (period circadian regulator 2; minus strand). Cytogenetic location: 2q37.3.
Variant type: single nucleotide variant.
Coding change: c.3012T>C on transcript NM_022817.3 (MANE Select); coding-DNA position 3012, T replaced by C.
Protein change: p.Thr1004=; no amino-acid change (threonine 1004 retained).
Molecular consequence: synonymous variant.
Genome position (GRCh38, 1-based): chr2:238,253,011, A>G on the plus strand (T>C on the coding strand, the complement: PER2 is on the minus strand). VCF-style: chr2-238253011-A-G. GRCh37 (hg19) VCF-style: chr2-239161652-A-G.
Identifiers: ClinVar variation 3049516 (VCV003049516.2), dbSNP rs142267174, ClinGen allele CA2196955.

ClinVar aggregate classification (germline): Likely benign (0 of 4 stars; one submission).

Conditions:
PER2-related disorder. Also called: PER2-related condition.

Allele frequency attached by ClinVar (database versions not stated): gnomAD exomes 0.00007; ExAC 0.00026; 1000 Genomes Project 30x 0.00047; 1000 Genomes Project 0.00060; ESP Exome Variant Server 0.00161.
gnomAD v4.1: 223 of 1,613,880 alleles (0.014%); highest among the groups gnomAD compares: African/African-American, 0.27%; 1 homozygote.

Submission:

PreventionGenetics, part of Exact Sciences
Classification: Likely benign for PER2-related condition. Last evaluated: 2019-07-30. Review status: no assertion criteria provided. Collection method: clinical testing. Allele origin: germline.
Comment: This variant is classified as likely benign based on ACMG/AMP sequence variant interpretation guidelines (Richards et al. 2015 PMID: 25741868, with internal and published modifications).